The following is an entry in ClinVar:

NM_001734.5(C1S):c.326T>C (p.Ile109Thr)

Gene: C1S (complement C1s; plus strand). Cytogenetic location: 12p13.31.
Variant type: single nucleotide variant.
Coding change: c.326T>C on transcript NM_001734.5 (MANE Select); coding-DNA position 326, T replaced by C.
Protein change: p.Ile109Thr; replaces isoleucine 109 with threonine.
Molecular consequence: missense variant. On other transcripts: 5 prime UTR variant (1).
Genome position (GRCh38, 1-based): chr12:7,063,002, T>C. VCF-style: chr12-7063002-T-C. GRCh37 (hg19) VCF-style: chr12-7170306-T-C.
Other names: c.-176T>C (NM_001346850.2); c.326T>C, p.Ile109Thr (NM_201442.4); short protein forms I109T.
Identifiers: ClinVar variation 4071653 (VCV004071653.1).

ClinVar aggregate classification (germline): Uncertain significance (1 of 4 stars; one submission).

gnomAD v4.1: 2 of 1,614,026 alleles (0.00012%); highest among the groups gnomAD compares: Non-Finnish European, 0.00017%; no homozygotes.

Submission:

GeneDx
Classification: Uncertain significance. Last evaluated: 2025-01-22. Review status: criteria provided, single submitter. Criteria: GeneDx Variant Classification Process June 2021. Collection method: clinical testing. Allele origin: germline. Affected: yes.
Comment: Not observed at significant frequency in large population cohorts (gnomAD); In silico analysis indicates that this missense variant does not alter protein structure/function; Has not been previously published as pathogenic or benign to our knowledge